The following continues an entry in ClinVar:

NM_206933.4(USH2A):c.1876C>T (p.Arg626Ter)

Gene: USH2A. ClinVar aggregate classification (germline): Pathogenic. Pathogenic (20).

Submissions 18 to 20 of 20:

Laboratory for Molecular Medicine, Mass General Brigham Personalized Medicine
Classification: Pathogenic for Usher syndrome. Last evaluated: 2019-03-19. Review status: criteria provided, single submitter. Criteria: LMM Criteria. Collection method: clinical testing. Allele origin: germline. Inheritance: Autosomal recessive inheritance. Observed: 2 variant alleles.
Comment: The p.Arg626X variant in USH2A has been reported >15 individuals with Usher syndrome, at least 9 of whom were homozygous or compound heterozygous with a second pathogenic USH2A variant on the other allele, and segregated in the compound heterozygous state in one affected relative (Weston 2000, Ouyang 2004, Seyedahmadi 2004, Ebermann 2009, Xu 2011, Jiang 2015, Lenassi 2015, Bonnet 2016). This variant has also been identified in 0.006% (7/113672) of European chromosomes by gnomAD; however, its frequency is low enough to be consistent with a recessive carrier frequency. This nonsense variant leads to a premature termination codon at position 626, which is predicted to lead to a truncated or absent protein. Loss of function of the USH2A gene is an established disease mechanism in autosomal recessive Usher syndrome. In summary, this variant meets criteria to be classified as pathogenic for Usher syndrome in an autosomal recessive manner based on the predicted impact of the variant and multiple occurrences with pathogenic USH2A variants in individuals with Usher syndrome. ACMG/AMP Criteria applied: PM3_VeryStrong, PVS1, PM2, PP1.

Eurofins Ntd Llc (ga)
Classification: Pathogenic. Last evaluated: 2016-10-04. Review status: criteria provided, single submitter. Criteria: EGL Classification Definitions 2015. Collection method: clinical testing. Allele origin: germline. Observed: 1 variant allele, 1 heterozygote.

Juno Genomics, Hangzhou Juno Genomics, Inc
Classification: Pathogenic for Retinitis pigmentosa 39; Usher syndrome type 2A. Review status: criteria provided, single submitter. Criteria: ACMG Guidelines, 2015. Collection method: clinical testing. Allele origin: germline. Affected: yes.
Comment: Null variant in a gene where loss of function (LOF) is a known mechanism of disease.;Absent from controls (or at extremely low frequency if recessive) in Genome Aggregation Database, Exome Sequencing Project, 1000 Genomes Project, or Exome Aggregation Consortium.;For recessive disorders, detected in trans with a pathogenic variant.;Patient's phenotype or family history is highly specific for a disease with a single genetic etiology.

Literature cited by the submitters: PubMed 35870892 (cited by Dasa and Institute of Human Genetics, Univ. Regensburg, Univ. Regensburg); PubMed 21738395 (cited by Dasa); PubMed 21686329 (cited by 4 submitters); PubMed 35457016 (cited by Dasa); PubMed 10729113 (cited by 4 submitters); PubMed 10909849 (cited by Labcorp Genetics (formerly Invitae), Labcorp); PubMed 20507924 (cited by Labcorp Genetics (formerly Invitae), Labcorp); PubMed 25649381 (cited by 3 submitters); PubMed 15823922 (cited by Labcorp Genetics (formerly Invitae), Labcorp); PubMed 27318125 (cited by Natera, Inc.); PubMed 15325563 (cited by 3 submitters); PubMed 20301515 (cited by Victorian Clinical Genetics Services, Murdoch Childrens Research Institute); PubMed 27460420 (cited by 3 submitters); PubMed 25525159 (cited by Institute of Human Genetics, Univ. Regensburg, Univ. Regensburg and Laboratory for Molecular Medicine, Mass General Brigham Personalized Medicine); PubMed 28559085 (cited by Institute of Human Genetics, Univ. Regensburg, Univ. Regensburg); PubMed 29588463 (cited by Institute of Human Genetics, Univ. Regensburg, Univ. Regensburg); PubMed 29625443 (cited by Institute of Human Genetics, Univ. Regensburg, Univ. Regensburg); PubMed 31266775 (cited by Institute of Human Genetics, Univ. Regensburg, Univ. Regensburg); PubMed 31964843 (cited by Institute of Human Genetics, Univ. Regensburg, Univ. Regensburg); PubMed 33090715 (cited by Institute of Human Genetics, Univ. Regensburg, Univ. Regensburg); PubMed 33089500 (cited by Institute of Human Genetics, Univ. Regensburg, Univ. Regensburg); PubMed 32531858 (cited by Institute of Human Genetics, Univ. Regensburg, Univ. Regensburg); PubMed 32037395 (cited by Institute of Human Genetics, Univ. Regensburg, Univ. Regensburg); PubMed 33576794 (cited by Institute of Human Genetics, Univ. Regensburg, Univ. Regensburg); PubMed 34948090 (cited by Institute of Human Genetics, Univ. Regensburg, Univ. Regensburg); PubMed 32675063 (cited by Institute of Human Genetics, Univ. Regensburg, Univ. Regensburg); PubMed 34781295 (cited by Institute of Human Genetics, Univ. Regensburg, Univ. Regensburg); PubMed 36460718 (cited by Institute of Human Genetics, Univ. Regensburg, Univ. Regensburg); PubMed 26338283 (cited by Ocular Genomics Institute, Massachusetts Eye and Ear and Laboratory for Molecular Medicine, Mass General Brigham Personalized Medicine); PubMed 18665195 (cited by Ocular Genomics Institute, Massachusetts Eye and Ear and Laboratory for Molecular Medicine, Mass General Brigham Personalized Medicine); PubMed 15025721 (cited by Ocular Genomics Institute, Massachusetts Eye and Ear and Laboratory for Molecular Medicine, Mass General Brigham Personalized Medicine).